The following is an entry in ClinVar:

ClinVar aggregate classification (germline): Conflicting classifications of pathogenicity. Review status: criteria provided, conflicting classifications (1 of 4 stars). 7 submissions from 7 submitters: Uncertain significance (6); Likely benign (1). Last evaluated 2026-01-26.

Conditions:
Hereditary cancer-predisposing syndrome. Also called: Neoplastic Syndromes, Hereditary; Hereditary Cancer Syndrome; Hereditary neoplastic syndrome; Tumor predisposition. Identifiers: Orphanet 140162, MedGen C0027672, MeSH D009386, MONDO:0015356.
Neurofibromatosis, type 2 (SWNV). Also called: NF2-Related Schwannomatosis; BILATERAL ACOUSTIC NEUROFIBROMATOSIS; SCHWANNOMATOSIS, VESTIBULAR. Identifiers: Orphanet 637, MedGen C0027832, MONDO:0007039, OMIM 101000. Disease mechanism: loss of function.
Familial meningioma. Also called: Meningioma, familial, susceptibility to. Identifiers: Orphanet 263662, MedGen C3551915, MONDO:0011789, OMIM 607174.

Allele frequency attached by ClinVar (database versions not stated): gnomAD 0.00003 and 0.00004; gnomAD exomes 0.00003 and 0.00002; TOPMed 0.00006; ExAC 0.00003.
gnomAD v4.1: 50 of 1,612,096 alleles (0.0031%); highest among the groups gnomAD compares: African/African-American, 0.004%; no homozygotes.

Submissions (7):

Labcorp Genetics (formerly Invitae), Labcorp
Classification: Likely benign for Neurofibromatosis, type 2. Last evaluated: 2026-01-26. Review status: criteria provided, single submitter. Criteria: Invitae Variant Classification Sherloc (09022015). Collection method: clinical testing. Allele origin: germline.

GeneDx
Classification: Uncertain significance. Last evaluated: 2025-11-14. Review status: criteria provided, single submitter. Criteria: GeneDx Variant Classification Process June 2021. Collection method: clinical testing. Allele origin: germline.
Comment: In silico analysis supports that this missense variant has a deleterious effect on protein structure/function; This variant is associated with the following publications: (PMID: 8566958, 8757035, 30306255, 8012353, 17134719, 16324214, 22482125)

Ambry Genetics
Classification: Uncertain significance for Hereditary cancer-predisposing syndrome. Last evaluated: 2025-07-29. Review status: criteria provided, single submitter. Criteria: Ambry Variant Classification Scheme 2023. Collection method: clinical testing. Allele origin: germline.
Comment: The p.R418C variant (also known as c.1252C>T), located in coding exon 12 of the NF2 gene, results from a C to T substitution at nucleotide position 1252. The arginine at codon 418 is replaced by cysteine, an amino acid with highly dissimilar properties. This alteration was identified in one individual with a sporadic vestibular schwannoma who did not have a clinical diagnosis of neurofibromatosis type 2 (Jacoby LB et al. Hum. Mol. Genet., 1994 Mar;3:413-9). This amino acid position is well conserved in available vertebrate species. In addition, this alteration is predicted to be deleterious by in silico analysis. Based on the available evidence, the clinical significance of this variant remains unclear.

Color Diagnostics, LLC DBA Color Health
Classification: Uncertain significance for Neurofibromatosis, type 2. Last evaluated: 2024-02-06. Review status: criteria provided, single submitter. Criteria: ACMG Guidelines, 2015. Collection method: clinical testing. Allele origin: germline.
Comment: This missense variant replaces arginine with cysteine at codon 418 of the NF2 protein. Computational prediction is inconclusive regarding the impact of this variant on protein structure and function. To our knowledge, functional studies have not been reported for this variant. This variant has been reported in an individual affected with a sporadic schwannoma (PMID: 8012353) and in an individual with a personal or family history of breast or ovarian cancer (PMID: 30306255). This variant has been identified in 7/277022 chromosomes in the general population by the Genome Aggregation Database (gnomAD). The available evidence is insufficient to determine the role of this variant in disease conclusively. Therefore, this variant is classified as a Variant of Uncertain Significance.

Baylor Genetics
Classification: Uncertain significance for Familial meningioma. Last evaluated: 2023-08-02. Review status: criteria provided, single submitter. Criteria: ACMG Guidelines, 2015. Collection method: clinical testing. Allele origin: unknown.

Genome-Nilou Lab
Classification: Uncertain significance for Neurofibromatosis, type 2. Last evaluated: 2021-11-07. Review status: criteria provided, single submitter. Criteria: ACMG Guidelines, 2015. Collection method: clinical testing. Allele origin: germline. Affected: no.

Sema4
Classification: Uncertain significance for Hereditary cancer-predisposing syndrome. Last evaluated: 2021-10-25. Review status: criteria provided, single submitter. Criteria: Sema4 Curation Guidelines. Collection method: curation. Allele origin: germline.
Comment: The NF2 c.1252C>T (p.R418C) variant has been reported as homozygous in at least one individual with sporadic vestibular schwannoma without a clinical diagnosis of neurofibromatosis 2 (PMID: 8012353). This variant has also been reported in at least one individual with hereditary breast and ovarian cancer (PMID: 30306255). This variant was observed in 2/24394 chromosomes in the African/African American subpopulation in the large and broad cohorts of the Genome Aggregation Database (PMID: 32461654). This variant has been reported in ClinVar (Variation ID: 571182). Functional studies have not been performed, and in silico predictions of the variant's effect on protein function are inconclusive. The evidence is insufficient to meet ACMG/AMP criteria for classifying the variant as benign or pathogenic. Thus, the clinical significance of this variant is currently uncertain.

Literature cited by the submitters: PubMed 8012353 (cited by 3 submitters); PubMed 30306255 (cited by Color Diagnostics, LLC DBA Color Health and Sema4).

NM_000268.4(NF2):c.1252C>T (p.Arg418Cys)

Gene: NF2 (NF2, moesin-ezrin-radixin like (MERLIN) tumor suppressor; plus strand). Cytogenetic location: 22q12.2.
Variant type: single nucleotide variant.
Coding change: c.1252C>T on transcript NM_000268.4 (MANE Select); coding-DNA position 1252, C replaced by T.
Protein change: p.Arg418Cys; replaces arginine 418 with cysteine.
Molecular consequence: missense variant. On other transcripts: non-coding transcript variant (1), intron variant (1).
Genome position (GRCh38, 1-based): chr22:29,673,398, C>T. VCF-style: chr22-29673398-C-T. GRCh37 (hg19) VCF-style: chr22-30069387-C-T.
Other names: c.1252C>T, p.Arg418Cys (NM_016418.5, NM_181825.3, NM_181832.3); c.1126C>T, p.Arg376Cys (NM_181828.3); c.1129C>T, p.Arg377Cys (NM_181829.3); c.1003C>T, p.Arg335Cys (NM_181830.3, NM_181831.3); c.448-21354C>T (NM_181833.3); short protein forms R418C, R335C, R377C, R376C.
Identifiers: ClinVar variation 571182 (VCV000571182.29), dbSNP rs765540111, ClinGen allele CA029287.